The following is an entry in ClinVar:

ClinVar aggregate classification (germline): Likely benign. Review status: criteria provided, single submitter (1 of 4 stars). 2 submissions from 2 submitters: Likely benign (1). 1 of the submissions does not count toward it. Last evaluated 2025-03-04.

Conditions:
SH2B1-related disorder. Also called: SH2B1-related condition.

Allele frequency attached by ClinVar (database versions not stated): ESP Exome Variant Server 0.00008; ExAC 0.00011; gnomAD exomes 0.00016; gnomAD 0.00021; TOPMed 0.00031.
gnomAD v4.1: 579 of 1,611,028 alleles (0.036%); highest among the groups gnomAD compares: Non-Finnish European, 0.043%; no homozygotes.

Submissions (2):

Labcorp Genetics (formerly Invitae), Labcorp
Classification: Likely benign. Last evaluated: 2025-03-04. Review status: criteria provided, single submitter. Criteria: Invitae Variant Classification Sherloc (09022015). Collection method: clinical testing. Allele origin: germline.

PreventionGenetics, part of Exact Sciences
Classification: Likely benign for SH2B1-related condition. Last evaluated: 2019-09-18. Review status: no assertion criteria provided. Collection method: clinical testing. Allele origin: germline. Not counted in ClinVar's aggregate classification.
Comment: This variant is classified as likely benign based on ACMG/AMP sequence variant interpretation guidelines (Richards et al. 2015 PMID: 25741868, with internal and published modifications).

NM_001387430.1(SH2B1):c.207T>C (p.Ala69=)

Gene: SH2B1 (SH2B adaptor protein 1; plus strand). Cytogenetic location: 16p11.2.
Variant type: single nucleotide variant.
Coding change: c.207T>C on transcript NM_001387430.1 (MANE Select); coding-DNA position 207, T replaced by C.
Protein change: p.Ala69=; no amino-acid change (alanine 69 retained).
Molecular consequence: synonymous variant. On other transcripts: intron variant (1).
Genome position (GRCh38, 1-based): chr16:28,866,301, T>C. VCF-style: chr16-28866301-T-C. GRCh37 (hg19) VCF-style: chr16-28877622-T-C.
Other names: c.207T>C, p.Ala69= (NM_001145795.2, NM_001145796.2, NM_001145797.2 and 4 more transcripts); c.-26-1073T>C (NM_001308294.2).
Identifiers: ClinVar variation 726665 (VCV000726665.10), dbSNP rs146716820, ClinGen allele CA7985874.